The following is an entry in ClinVar:

NM_024649.5(BBS1):c.362A>G (p.Tyr121Cys)

Gene: BBS1 (Bardet-Biedl syndrome 1; plus strand). Cytogenetic location: 11q13.2.
Variant type: single nucleotide variant.
Coding change: c.362A>G on transcript NM_024649.5 (MANE Select); coding-DNA position 362, A replaced by G.
Protein change: p.Tyr121Cys; replaces tyrosine 121 with cysteine.
Molecular consequence: missense variant.
Genome position (GRCh38, 1-based): chr11:66,514,608, A>G. VCF-style: chr11-66514608-A-G. GRCh37 (hg19) VCF-style: chr11-66282079-A-G.
Other names: short protein forms Y121C.
Identifiers: ClinVar variation 3357855 (VCV003357855.1).

ClinVar aggregate classification (germline): Uncertain significance (0 of 4 stars; one submission).

Conditions:
BBS1-related disorder. Also called: BBS1-related condition.

gnomAD v4.1: 1 of 1,613,794 alleles (0.000062%); highest among the groups gnomAD compares: Admixed American, 0.0017%; no homozygotes.

Submission:

PreventionGenetics, part of Exact Sciences
Classification: Uncertain significance for BBS1-related condition. Last evaluated: 2023-12-20. Review status: no assertion criteria provided. Collection method: clinical testing. Allele origin: germline.
Comment: The BBS1 c.362A>G variant is predicted to result in the amino acid substitution p.Tyr121Cys. This variant has been reported in the homozygous state in one individual with ventricular septal defect, speech delay, cleft lip, cleft palate, and duplicated renal collecting system (Delio et al. 2015. PubMed ID: 26214305, Table 2 and Supplementary Table S4, patient TG274.001). To our knowledge, this variant has not been reported in a large population database. At this time, the clinical significance of this variant is uncertain due to the absence of conclusive functional and genetic evidence.